The following is an entry in ClinVar:

ClinVar aggregate classification (germline): Likely benign (1 of 4 stars; one submission).

gnomAD v4.1: 18 of 1,613,888 alleles (0.0011%); highest among the groups gnomAD compares: Non-Finnish European, 0.0014%; no homozygotes.

Submission:

CeGaT Center for Human Genetics Tuebingen
Classification: Likely benign. Last evaluated: 2026-06-01. Review status: criteria provided, single submitter. Criteria: CeGaT Center For Human Genetics Tuebingen Variant Classification Criteria Version 2. Collection method: clinical testing. Allele origin: germline. Affected: yes. Observed: 2 variant alleles.
Comment: ARID1A: BP4

NM_006015.6(ARID1A):c.4894C>T (p.Pro1632Ser)

Gene: ARID1A (AT-rich interaction domain 1A; plus strand). Cytogenetic location: 1p36.11.
Variant type: single nucleotide variant.
Coding change: c.4894C>T on transcript NM_006015.6 (MANE Select); coding-DNA position 4894, C replaced by T.
Protein change: p.Pro1632Ser; replaces proline 1632 with serine.
Molecular consequence: missense variant.
Genome position (GRCh38, 1-based): chr1:26,775,121, C>T. VCF-style: chr1-26775121-C-T. GRCh37 (hg19) VCF-style: chr1-27101612-C-T.
Other names: c.4243C>T, p.Pro1415Ser (NM_139135.4); short protein forms P1415S, P1632S.
Identifiers: ClinVar variation 4820886 (VCV004820886.4).
Genomic context (GRCh38, chr1:26,775,121, plus strand): 5'-AAAATGCAGAAGGCAGGTCCCCCAGTACCTGCCTCGCACATAGCACCTGCCCCTGTGCAG[C>T]CCCCCATGATTCGGCGGGATATCACCTTCCCACCTGGCTCTGTTGAAGCCACACAGCCTG-3'
Protein context (NP_006006.3, residues 1622-1642): ASHIAPAPVQ[Pro1632Ser]PMIRRDITFP